The following is an entry in ClinVar:

NM_004863.4(SPTLC2):c.556G>C (p.Gly186Arg)

Gene: SPTLC2 (serine palmitoyltransferase long chain base subunit 2; minus strand). Cytogenetic location: 14q24.3.
Variant type: single nucleotide variant.
Coding change: c.556G>C on transcript NM_004863.4 (MANE Select); coding-DNA position 556, G replaced by C.
Protein change: p.Gly186Arg; replaces glycine 186 with arginine.
Molecular consequence: missense variant.
Genome position (GRCh38, 1-based): chr14:77,576,842, C>G on the plus strand (G>C on the coding strand, the complement: SPTLC2 is on the minus strand). VCF-style: chr14-77576842-C-G. GRCh37 (hg19) VCF-style: chr14-78043185-C-G.
Other names: short protein forms G186R.
Identifiers: ClinVar variation 3648791 (VCV003648791.2).
Genomic context (GRCh38, chr14:77,576,842, plus strand): 5'-TACTGCACACTCCAGCTCCATACTCCTCAAGGACTTTGGCGGCTGCTTCTTGACATGATC[C>G]AGTATTCCGTGCAAATCCAAGATAGTTGTAGGAACCCATGTTTATAACACCCTTTATTAT-3'
Protein context (NP_004854.1, residues 176-196): YNYLGFARNT[Gly186Arg]SCQEAAAKVL

ClinVar aggregate classification (germline): Uncertain significance (1 of 4 stars; one submission).

Conditions:
Neuropathy, hereditary sensory and autonomic, type 1C. Also called: HSAN IC; HSN IC. Identifiers: Orphanet 36386, MedGen C3150896, MONDO:0013337, OMIM 613640.

Submission:

Labcorp Genetics (formerly Invitae), Labcorp
Classification: Uncertain significance for Neuropathy, hereditary sensory and autonomic, type 1C. Last evaluated: 2024-04-04. Review status: criteria provided, single submitter. Criteria: Invitae Variant Classification Sherloc (09022015). Collection method: clinical testing. Allele origin: germline.
Comment: This sequence change replaces glycine, which is neutral and non-polar, with arginine, which is basic and polar, at codon 186 of the SPTLC2 protein (p.Gly186Arg). This variant is not present in population databases (gnomAD no frequency). This variant has not been reported in the literature in individuals affected with SPTLC2-related conditions. Advanced modeling of protein sequence and biophysical properties (such as structural, functional, and spatial information, amino acid conservation, physicochemical variation, residue mobility, and thermodynamic stability) performed at Invitae indicates that this missense variant is not expected to disrupt SPTLC2 protein function with a negative predictive value of 80%. In summary, the available evidence is currently insufficient to determine the role of this variant in disease. Therefore, it has been classified as a Variant of Uncertain Significance.